The following is an entry in ClinVar:

ClinVar aggregate classification (germline): Pathogenic (1 of 4 stars; one submission).

Conditions:
Infantile neuroaxonal dystrophy (NBIA2A). Also called: NEURODEGENERATION WITH BRAIN IRON ACCUMULATION 2A; SEITELBERGER DISEASE; Infantile neuroaxonal dystrophy 1. Identifiers: Orphanet 35069, MedGen C0270724, MONDO:0024457, OMIM 256600.

Submission:

Labcorp Genetics (formerly Invitae), Labcorp
Classification: Pathogenic for Infantile neuroaxonal dystrophy. Last evaluated: 2023-11-14. Review status: criteria provided, single submitter. Criteria: Invitae Variant Classification Sherloc (09022015). Collection method: clinical testing. Allele origin: unknown.
Comment: This variant is a gross deletion of the genomic region encompassing exon(s) 3-5 of the PLA2G6 gene. This variant would be expected to be in-frame, preserving the integrity of the reading frame. This variant has not been reported in the literature in individuals affected with PLA2G6-related conditions. This variant disrupts a region of the PLA2G6 protein in which other variant(s) (p.His225Tyr) have been determined to be pathogenic (PMID: 24130795). This suggests that this is a clinically significant region of the protein, and that variants that disrupt it are likely to be disease-causing. For these reasons, this variant has been classified as Pathogenic.

Literature cited by the submitters: PubMed 24130795.

NC_000022.10:g.(?_38535969)_(38541680_?)del

Gene: PLA2G6 (phospholipase A2 group VI; minus strand). Cytogenetic location: 22q13.1.
Variant type: Deletion.
Identifiers: ClinVar variation 3247315 (VCV003247315.1).